The following is an entry in ClinVar:

NM_000492.4(CFTR):c.1930C>G (p.Leu644Val)

Gene: CFTR (CF transmembrane conductance regulator; plus strand). Cytogenetic location: 7q31.2.
Variant type: single nucleotide variant.
Coding change: c.1930C>G on transcript NM_000492.4 (MANE Select); coding-DNA position 1930, C replaced by G.
Protein change: p.Leu644Val; replaces leucine 644 with valine.
Molecular consequence: missense variant.
Genome position (GRCh38, 1-based): chr7:117,592,097, C>G. VCF-style: chr7-117592097-C-G. GRCh37 (hg19) VCF-style: chr7-117232151-C-G.
Other names: short protein forms L644V.
Identifiers: ClinVar variation 3231840 (VCV003231840.2), dbSNP rs2485109495, ClinGen allele CA368978863.

ClinVar aggregate classification (germline): Uncertain significance. Review status: criteria provided, multiple submitters, no conflicts (2 of 4 stars). 2 submissions from 2 submitters: Uncertain significance (2). Last evaluated 2026-09-14.

Conditions:
CFTR-related disorder (CFTR-RD). Also called: CFTR-related disorders; CFTR-related condition. Identifiers: MedGen C5924204, MONDO:7770004.
Cystic fibrosis (CF). Also called: MUCOVISCIDOSIS. Identifiers: Orphanet 586, MedGen C0010674, MONDO:0009061, OMIM 219700. Disease mechanism: loss of function.

Submissions (2):

PreventionGenetics, part of Exact Sciences
Classification: Uncertain significance for CFTR-related condition. Last evaluated: 2026-09-14. Review status: criteria provided, single submitter. Criteria: ACMG Guidelines, 2015. Collection method: clinical testing. Allele origin: germline.
Comment: The CFTR c.1930C>G variant is predicted to result in the amino acid substitution p.Leu644Val. To our knowledge, this variant has not been reported in the literature or in a large population database (gnomAD), indicating this variant is rare. At this time, the clinical significance of this variant is uncertain due to the absence of conclusive functional and genetic evidence.

Ambry Genetics
Classification: Uncertain significance for Cystic fibrosis. Last evaluated: 2024-03-03. Review status: criteria provided, single submitter. Criteria: Ambry Variant Classification Scheme 2023. Collection method: clinical testing. Allele origin: germline.
Comment: The p.L644V variant (also known as c.1930C>G), located in coding exon 14 of the CFTR gene, results from a C to G substitution at nucleotide position 1930. The leucine at codon 644 is replaced by valine, an amino acid with highly similar properties. This amino acid position is conserved. In addition, this alteration is predicted to be deleterious by in silico analysis. Based on the available evidence, the clinical significance of this alteration remains unclear.